The following is an entry in ClinVar:

NM_000274.4(OAT):c.1015-6A>G

Gene: OAT (ornithine aminotransferase; minus strand). Cytogenetic location: 10q26.13.
Variant type: single nucleotide variant.
Coding change: c.1015-6A>G on transcript NM_000274.4 (MANE Select); 6 bases into the intron before coding-DNA position 1015, A replaced by G.
Molecular consequence: intron variant.
Genome position (GRCh38, 1-based): chr10:124,400,990, T>C on the plus strand (A>G on the coding strand, the complement: OAT is on the minus strand). VCF-style: chr10-124400990-T-C. GRCh37 (hg19) VCF-style: chr10-126089559-T-C.
Other names: c.1015-6A>G (NM_001322965.2, NM_001322969.2, NM_001322966.2 and 3 more transcripts); c.601-6A>G (NM_001171814.2); c.415-6A>G (NM_001322974.2); c.694-6A>G (NM_001322971.2).
Identifiers: ClinVar variation 702374 (VCV000702374.21), dbSNP rs561800688, ClinGen allele CA5733343.

ClinVar aggregate classification (germline): Conflicting classifications of pathogenicity. Review status: criteria provided, conflicting classifications (1 of 4 stars). 6 submissions from 6 submitters: Uncertain significance (2); Benign (1); Likely benign (2). 1 of the submissions does not count toward it. Last evaluated 2026-01-20.

Conditions:
Ornithine aminotransferase deficiency (GACR). Also called: OKT DEFICIENCY; HYPERORNITHINEMIA WITH GYRATE ATROPHY OF CHOROID AND RETINA; OAT DEFICIENCY; Ornithine ketoacid aminotransferase deficiency; Gyrate atrophy; Gyrate atrophy of choroid and retina. Identifiers: Orphanet 414, MedGen C0018425, MONDO:0009796, OMIM 258870.
OAT-related disorder. Also called: OAT-related condition.

Allele frequency attached by ClinVar (database versions not stated): 1000 Genomes Project 0.00040; gnomAD 0.00046 and 0.00028; gnomAD exomes 0.00050 and 0.00032; TOPMed 0.00061; ExAC 0.00067; 1000 Genomes Project 30x 0.00031.
gnomAD v4.1: 558 of 1,605,654 alleles (0.035%); highest among the groups gnomAD compares: Middle Eastern, 0.45%; 4 homozygotes.

Submissions (9):

Labcorp Genetics (formerly Invitae), Labcorp
Classification: Benign for Ornithine aminotransferase deficiency. Last evaluated: 2026-01-20. Review status: criteria provided, single submitter. Criteria: Invitae Variant Classification Sherloc (09022015). Collection method: clinical testing. Allele origin: germline.

PreventionGenetics, part of Exact Sciences
Classification: Likely benign for OAT-related condition. Last evaluated: 2024-12-11. Review status: criteria provided, single submitter. Criteria: ACMG Guidelines, 2015. Collection method: clinical testing. Allele origin: germline.
Comment: This variant is classified as likely benign based on ACMG/AMP sequence variant interpretation guidelines (Richards et al. 2015 PMID: 25741868, with internal and published modifications).

Blueprint Genetics
Classification: Likely benign. Last evaluated: 2024-11-11. Review status: criteria provided, single submitter. Criteria: ACMG Guidelines, 2015. Collection method: clinical testing. Allele origin: germline.

Mayo Clinic Laboratories, Mayo Clinic
Classification: Uncertain significance. Last evaluated: 2022-04-18. Review status: criteria provided, single submitter. Criteria: ACMG Guidelines, 2015. Collection method: clinical testing. Allele origin: germline. Observed: 1 variant allele.
Comment: PP3

Illumina Laboratory Services, Illumina
Classification: Uncertain significance for Ornithine aminotransferase deficiency. Last evaluated: 2018-01-13. Review status: criteria provided, single submitter. Criteria: ICSL Variant Classification Criteria 13 December 2019. Collection method: clinical testing. Allele origin: germline.

Natera, Inc.
Classification: Benign for Gyrate atrophy. Last evaluated: 2020-04-17. Review status: no assertion criteria provided. Collection method: clinical testing. Allele origin: germline. Not counted in ClinVar's aggregate classification.

Dr. Peter K. Rogan Lab, Western University
No classification provided (evidence only). Condition: Lung cancer. Review status: no classification provided. Collection method: in vitro. Allele origin: not applicable. Functional consequence: retained intron. Not counted in ClinVar's aggregate classification.

Dr. Peter K. Rogan Lab, Western University
No classification provided (evidence only). Condition: Uterine corpus endometrial carcinoma. Review status: no classification provided. Collection method: in vitro. Allele origin: not applicable. Functional consequence: retained intron. Not counted in ClinVar's aggregate classification.

Dr. Peter K. Rogan Lab, Western University
No classification provided (evidence only). Condition: Sarcoma. Review status: no classification provided. Collection method: in vitro. Allele origin: not applicable. Functional consequence: retained intron. Not counted in ClinVar's aggregate classification.